The following is an entry in ClinVar:

NM_001854.4(COL11A1):c.1744C>G (p.Pro582Ala)

Gene: COL11A1 (collagen type XI alpha 1 chain; minus strand). Cytogenetic location: 1p21.1.
Variant type: single nucleotide variant.
Coding change: c.1744C>G on transcript NM_001854.4 (MANE Select); coding-DNA position 1744, C replaced by G.
Protein change: p.Pro582Ala; replaces proline 582 with alanine.
Molecular consequence: missense variant. On other transcripts: non-coding transcript variant (1).
Genome position (GRCh38, 1-based): chr1:103,006,115, G>C on the plus strand (C>G on the coding strand, the complement: COL11A1 is on the minus strand). VCF-style: chr1-103006115-G-C. GRCh37 (hg19) VCF-style: chr1-103471671-G-C.
Other names: c.1396C>G, p.Pro466Ala (NM_001168249.1, NM_080630.4); c.1627C>G, p.Pro543Ala (NM_001190709.2); c.1780C>G, p.Pro594Ala (NM_080629.3); c.1744C>G (NM_001854.3); short protein forms P543A, P594A, P466A, P582A.
Identifiers: ClinVar variation 2132039 (VCV002132039.5), dbSNP rs746192125, ClinGen allele CA341174063.

ClinVar aggregate classification (germline): Uncertain significance. Review status: criteria provided, multiple submitters, no conflicts (2 of 4 stars). 2 submissions from 2 submitters: Uncertain significance (2). Last evaluated 2024-03-28.

Allele frequency attached by ClinVar (database versions not stated): TOPMed below 0.00001.
gnomAD v4.1: 4 of 1,613,440 alleles (0.00025%); highest among the groups gnomAD compares: Non-Finnish European, 0.00034%; no homozygotes.

Submissions (2):

GeneDx
Classification: Uncertain significance. Last evaluated: 2024-03-28. Review status: criteria provided, single submitter. Criteria: GeneDx Variant Classification Process June 2021. Collection method: clinical testing. Allele origin: germline. Affected: yes.
Comment: Not observed at significant frequency in large population cohorts (gnomAD); In silico analysis supports that this missense variant does not alter protein structure/function; Has not been previously published as pathogenic or benign to our knowledge

Labcorp Genetics (formerly Invitae), Labcorp
Classification: Uncertain significance. Last evaluated: 2022-09-04. Review status: criteria provided, single submitter. Criteria: Invitae Variant Classification Sherloc (09022015). Collection method: clinical testing. Allele origin: germline.
Comment: This variant has not been reported in the literature in individuals affected with COL11A1-related conditions. In summary, the available evidence is currently insufficient to determine the role of this variant in disease. Therefore, it has been classified as a Variant of Uncertain Significance. Advanced modeling of protein sequence and biophysical properties (such as structural, functional, and spatial information, amino acid conservation, physicochemical variation, residue mobility, and thermodynamic stability) performed at Invitae indicates that this missense variant is not expected to disrupt COL11A1 protein function. This variant is not present in population databases (gnomAD no frequency). This sequence change replaces proline, which is neutral and non-polar, with alanine, which is neutral and non-polar, at codon 582 of the COL11A1 protein (p.Pro582Ala).